The following is an entry in ClinVar:

ClinVar aggregate classification (germline): Uncertain significance (1 of 4 stars; one submission).

Conditions:
Cowden syndrome (CS). Also called: Cowden's disease; Cowden's syndrome; Cowden disease. Identifiers: Orphanet 201, MedGen C0018553, MONDO:0016063. Disease mechanism: gain of function.

Submission:

Labcorp Genetics (formerly Invitae), Labcorp
Classification: Uncertain significance for Cowden syndrome. Last evaluated: 2022-11-02. Review status: criteria provided, single submitter. Criteria: Invitae Variant Classification Sherloc (09022015). Collection method: clinical testing. Allele origin: germline.
Comment: This sequence change creates a premature translational stop signal (p.Leu715*) in the PIK3CA gene. It is expected to result in an absent or disrupted protein product. However, the current clinical and genetic evidence is not sufficient to establish whether loss-of-function variants in PIK3CA cause disease. This variant is not present in population databases (gnomAD no frequency). This variant has not been reported in the literature in individuals affected with PIK3CA-related conditions. In summary, the available evidence is currently insufficient to determine the role of this variant in disease. Therefore, it has been classified as a Variant of Uncertain Significance.

NM_006218.4(PIK3CA):c.2144_2148del (p.Asn714_Leu715insTer)

Gene: PIK3CA (phosphatidylinositol-4,5-bisphosphate 3-kinase catalytic subunit alpha; plus strand). Cytogenetic location: 3q26.32.
Variant type: Microsatellite.
Coding change: c.2144_2148del on transcript NM_006218.4 (MANE Select); coding-DNA positions 2144 to 2148, 5 bases deleted (TAACT; older notation c.2144_2148delTAACT).
Protein change: p.Asn714_Leu715insTer.
Molecular consequence: nonsense.
Genome position (GRCh38, 1-based): chr3:179,221,114-179,221,118, TAACT deleted; deleting any 5 consecutive bases within chr3:179,221,108-179,221,118 gives the same sequence; the c. name uses the placement nearest the transcript's 3' end. VCF-style (leftmost placement, unchanged base first): chr3-179221107-ATTAAC-A. GRCh37 (hg19) VCF-style: chr3-178938895-ATTAAC-A.
Identifiers: ClinVar variation 2811556 (VCV002811556.3), dbSNP rs2473531279, ClinGen allele CA2739280077.
Genomic context (GRCh38, chr3:179,221,107, plus strand): 5'-CGTGCATGTGGGATGTATTTGAAGCACCTGAATAGGCAAGTCGAGGCAATGGAAAAGCTC[ATTAAC>A]TTAACTGACATTCTCAAACAGGAGAAGAAGGATGAAACACAAAAGGTGTGTGACTCTAGT-3'